The following is an entry in ClinVar:

ClinVar aggregate classification (germline): Uncertain significance (1 of 4 stars; one submission).

Submission:

Labcorp Genetics (formerly Invitae), Labcorp
Classification: Uncertain significance. Last evaluated: 2024-02-14. Review status: criteria provided, single submitter. Criteria: Invitae Variant Classification Sherloc (09022015). Collection method: clinical testing. Allele origin: germline.
Comment: This sequence change replaces leucine, which is neutral and non-polar, with arginine, which is basic and polar, at codon 119 of the DCX protein (p.Leu119Arg). This variant is not present in population databases (gnomAD no frequency). This variant has not been reported in the literature in individuals affected with DCX-related conditions. Advanced modeling of protein sequence and biophysical properties (such as structural, functional, and spatial information, amino acid conservation, physicochemical variation, residue mobility, and thermodynamic stability) performed at Invitae indicates that this missense variant is expected to disrupt DCX protein function with a positive predictive value of 80%. In summary, the available evidence is currently insufficient to determine the role of this variant in disease. Therefore, it has been classified as a Variant of Uncertain Significance.

NM_001195553.2(DCX):c.356T>G (p.Leu119Arg)

Gene: DCX (doublecortin; minus strand). Cytogenetic location: Xq23.
Variant type: single nucleotide variant.
Coding change: c.356T>G on transcript NM_001195553.2 (MANE Select); coding-DNA position 356, T replaced by G.
Protein change: p.Leu119Arg; replaces leucine 119 with arginine.
Molecular consequence: missense variant.
Genome position (GRCh38, 1-based): chrX:111,410,043, A>C on the plus strand (T>G on the coding strand, the complement: DCX is on the minus strand). VCF-style: chrX-111410043-A-C. GRCh37 (hg19) VCF-style: chrX-110653271-A-C.
Other names: c.599T>G, p.Leu200Arg (NM_000555.3); c.356T>G, p.Leu119Arg (NM_001369370.1, NM_001369371.1, NM_001369372.1 and 6 more transcripts); short protein forms L119R, L200R.
Identifiers: ClinVar variation 3640803 (VCV003640803.2).
Genomic context (GRCh38, chrX:111,410,043, plus strand): 5'-TAACCAATGATGCCACCTCCCACCAACGGCCACCACCCACTATTTAAATTACCTTCCTCC[A>C]GTTCATCCATGCTTCCGATCTTCCTGGATCCATCAATGGTGTAAATGTAACGCACTCCCT-3'
Protein context (NP_001182482.1, residues 109-129): GSRKIGSMDE[Leu119Arg]EEGESYVCSS